The following is an entry in ClinVar:

NM_005751.5(AKAP9):c.8242T>C (p.Ser2748Pro)

Gene: AKAP9 (A-kinase anchoring protein 9; plus strand). Cytogenetic location: 7q21.2.
Variant type: single nucleotide variant.
Coding change: c.8242T>C on transcript NM_005751.5 (MANE Select); coding-DNA position 8242, T replaced by C.
Protein change: p.Ser2748Pro; replaces serine 2748 with proline.
Molecular consequence: missense variant.
Genome position (GRCh38, 1-based): chr7:92,083,251, T>C. VCF-style: chr7-92083251-T-C. GRCh37 (hg19) VCF-style: chr7-91712565-T-C.
Other names: c.2887T>C, p.Ser963Pro (NM_001379277.1); c.8218T>C, p.Ser2740Pro (NM_147185.3); short protein forms S2748P, S2740P, S963P.
Identifiers: ClinVar variation 2748879 (VCV002748879.3), dbSNP rs753148821, ClinGen allele CA4337458.

ClinVar aggregate classification (germline): Uncertain significance (1 of 4 stars; one submission).

Conditions:
Long QT syndrome (LQTS). Identifiers: MedGen C0023976, MeSH D008133, MONDO:0002442. Disease mechanism: loss of function. Inheritance: Various modes of inheritance.

Allele frequency attached by ClinVar (database versions not stated): TOPMed below 0.00001; gnomAD 0.00001; gnomAD exomes 0.00001; ExAC 0.00009.
gnomAD v4.1: 22 of 1,613,988 alleles (0.0014%); highest among the groups gnomAD compares: Non-Finnish European, 0.0018%; no homozygotes.

Submission:

Labcorp Genetics (formerly Invitae), Labcorp
Classification: Uncertain significance for Long QT syndrome. Last evaluated: 2023-12-20. Review status: criteria provided, single submitter. Criteria: Invitae Variant Classification Sherloc (09022015). Collection method: clinical testing. Allele origin: germline.
Comment: This sequence change replaces serine, which is neutral and polar, with proline, which is neutral and non-polar, at codon 2748 of the AKAP9 protein (p.Ser2748Pro). This variant is present in population databases (rs753148821, gnomAD 0.01%). This variant has not been reported in the literature in individuals affected with AKAP9-related conditions. An algorithm developed to predict the effect of missense changes on protein structure and function (PolyPhen-2) suggests that this variant is likely to be disruptive. In summary, the available evidence is currently insufficient to determine the role of this variant in disease. Therefore, it has been classified as a Variant of Uncertain Significance.